The following is an entry in ClinVar:

NM_017635.5(KMT5B):c.440A>G (p.Asp147Gly)

Gene: KMT5B (lysine methyltransferase 5B; minus strand). Cytogenetic location: 11q13.2.
Variant type: single nucleotide variant.
Coding change: c.440A>G on transcript NM_017635.5 (MANE Select); coding-DNA position 440, A replaced by G.
Protein change: p.Asp147Gly; replaces aspartic acid 147 with glycine.
Molecular consequence: missense variant. On other transcripts: 5 prime UTR variant (9), non-coding transcript variant (3).
Genome position (GRCh38, 1-based): chr11:68,175,121, T>C on the plus strand (A>G on the coding strand, the complement: KMT5B is on the minus strand). VCF-style: chr11-68175121-T-C. GRCh37 (hg19) VCF-style: chr11-67942588-T-C.
Other names: c.-77A>G (NM_001300907.1, NM_001369424.1, NM_001369428.1 and 5 more transcripts); c.-228A>G (NM_001300908.2); c.371A>G, p.Asp124Gly (NM_001300909.2); c.440A>G, p.Asp147Gly (NM_001363566.2, NM_001369426.1, NM_001369427.1 and 1 more transcripts); c.227A>G, p.Asp76Gly (NM_001369425.1); short protein forms D124G, D147G, D76G.
Identifiers: ClinVar variation 3370090 (VCV003370090.2).

ClinVar aggregate classification (germline): Uncertain significance (1 of 4 stars; one submission).

Submission:

GeneDx
Classification: Uncertain significance. Last evaluated: 2026-06-12. Review status: criteria provided, single submitter. Criteria: GeneDx Variant Classification Process June 2021. Collection method: clinical testing. Allele origin: germline.
Comment: Not observed at significant frequency in large population cohorts (gnomAD); In silico analysis supports that this missense variant has a deleterious effect on protein structure/function; Has not been previously published as pathogenic or benign to our knowledge